The following is an entry in ClinVar:

NM_007327.4(GRIN1):c.672C>T (p.Ser224=)

Gene: GRIN1 (glutamate ionotropic receptor NMDA type subunit 1; plus strand). Cytogenetic location: 9q34.3.
Variant type: single nucleotide variant.
Coding change: c.672C>T on transcript NM_007327.4 (MANE Select); coding-DNA position 672, C replaced by T.
Protein change: p.Ser224=; no amino-acid change (serine 224 retained).
Molecular consequence: synonymous variant.
Genome position (GRCh38, 1-based): chr9:137,156,669, C>T. VCF-style: chr9-137156669-C-T. GRCh37 (hg19) VCF-style: chr9-140051121-C-T.
Other names: c.672C>T, p.Ser224= (NM_000832.7, NM_021569.4); c.735C>T, p.Ser245= (NM_001185090.2, NM_001185091.2, NM_001437330.1 and 1 more transcripts).
Identifiers: ClinVar variation 4766728 (VCV004766728.1).

ClinVar aggregate classification (germline): Uncertain significance (1 of 4 stars; one submission).

Conditions:
Neurodevelopmental disorder with or without hyperkinetic movements and seizures, autosomal dominant. Also called: Intellectual disability, autosomal dominant 8. Identifiers: MedGen C3280282, MONDO:0013655, OMIM 614254.

gnomAD v4.1: 1 of 1,600,226 alleles (0.000062%); highest among the groups gnomAD compares: South Asian, 0.0011%; no homozygotes.

Submission:

Labcorp Genetics (formerly Invitae), Labcorp
Classification: Uncertain significance for Neurodevelopmental disorder with or without hyperkinetic movements and seizures, autosomal dominant. Last evaluated: 2025-11-19. Review status: criteria provided, single submitter. Criteria: Invitae Variant Classification Sherloc (09022015). Collection method: clinical testing. Allele origin: germline.
Comment: This sequence change affects codon 224 of the GRIN1 mRNA. It is a 'silent' change, meaning that it does not change the encoded amino acid sequence of the GRIN1 protein. It affects a nucleotide within the consensus splice site. This variant is not present in population databases (gnomAD no frequency). This variant has not been reported in the literature in individuals affected with GRIN1-related conditions. Algorithms developed to predict the effect of sequence changes on RNA splicing suggest that this variant is not likely to affect RNA splicing. In summary, the available evidence is currently insufficient to determine the role of this variant in disease. Therefore, it has been classified as a Variant of Uncertain Significance.